The following is an entry in ClinVar:

NM_017534.6(MYH2):c.3334A>G (p.Lys1112Glu)

Genes: MYHAS (myosin heavy chain gene cluster antisense RNA; plus strand), MYH2 (myosin heavy chain 2; minus strand). Cytogenetic location: 17p13.1.
Variant type: single nucleotide variant.
Coding change: c.3334A>G on transcript NM_017534.6 (MANE Select); coding-DNA position 3334, A replaced by G.
Protein change: p.Lys1112Glu; replaces lysine 1112 with glutamic acid.
Molecular consequence: missense variant.
Genome position (GRCh38, 1-based): chr17:10,529,182, T>C on the plus strand (A>G on the coding strand, the complement: MYH2 is on the minus strand). VCF-style: chr17-10529182-T-C. GRCh37 (hg19) VCF-style: chr17-10432499-T-C.
Other names: c.3334A>G, p.Lys1112Glu (NM_001100112.2); short protein forms K1112E.
Identifiers: ClinVar variation 853511 (VCV000853511.8), dbSNP rs150830535, ClinGen allele CA8390939.
Genomic context (GRCh38, chr17:10,529,182, plus strand): 5'-AACTGCCTCCGAGCCAGACTGATGAAAATCATGTACTTACTTGCAATTCTTTAATTTTCT[T>C]CTGCAATTGAATGCCAAGTGCCTGTTCATCTTCAATCTTGCTTTGCAGATTGCTGATTTC-3'
Protein context (NP_060004.3, residues 1102-1122): DEQALGIQLQ[Lys1112Glu]KIKELQARIE

ClinVar aggregate classification (germline): Uncertain significance. Review status: criteria provided, multiple submitters, no conflicts (2 of 4 stars). 2 submissions from 2 submitters: Uncertain significance (2). Last evaluated 2025-03-07.

Conditions:
Inborn genetic diseases. Identifiers: MedGen C0950123, MeSH D030342.
Myopathy, proximal, and ophthalmoplegia (CMYO6). Also called: MYOPATHY WITH CONGENITAL JOINT CONTRACTURES, OPHTHALMOPLEGIA, AND RIMMED VACUOLES; CONGENITAL MYOPATHY 6 WITH OPHTHALMOPLEGIA; INCLUSION BODY MYOPATHY 3, AUTOSOMAL DOMINANT. Identifiers: Orphanet 363677, Orphanet 79091, MedGen C1854106, MONDO:0011577, OMIM 605637.

Allele frequency attached by ClinVar (database versions not stated): gnomAD 0.00002 and 0.00003; gnomAD exomes 0.00002 and 0.00008; TOPMed 0.00002; ExAC 0.00007; 1000 Genomes Project 0.00040; 1000 Genomes Project 30x 0.00047.
gnomAD v4.1: 29 of 1,614,250 alleles (0.0018%); highest among the groups gnomAD compares: East Asian, 0.065%; no homozygotes.

Submissions (2):

Labcorp Genetics (formerly Invitae), Labcorp
Classification: Uncertain significance for Myopathy, proximal, and ophthalmoplegia. Last evaluated: 2025-03-07. Review status: criteria provided, single submitter. Criteria: Invitae Variant Classification Sherloc (09022015). Collection method: clinical testing. Allele origin: germline.
Comment: This sequence change replaces lysine, which is basic and polar, with glutamic acid, which is acidic and polar, at codon 1112 of the MYH2 protein (p.Lys1112Glu). This variant is present in population databases (rs150830535, gnomAD 0.1%). This variant has not been reported in the literature in individuals affected with MYH2-related conditions. ClinVar contains an entry for this variant (Variation ID: 853511). Invitae Evidence Modeling of protein sequence and biophysical properties (such as structural, functional, and spatial information, amino acid conservation, physicochemical variation, residue mobility, and thermodynamic stability) indicates that this missense variant is expected to disrupt MYH2 protein function with a positive predictive value of 80%. In summary, the available evidence is currently insufficient to determine the role of this variant in disease. Therefore, it has been classified as a Variant of Uncertain Significance.

Ambry Genetics
Classification: Uncertain significance for Inborn genetic diseases. Last evaluated: 2024-02-05. Review status: criteria provided, single submitter. Criteria: Ambry Variant Classification Scheme 2023. Collection method: clinical testing. Allele origin: germline.